The following is an entry in ClinVar:

ClinVar aggregate classification (germline): Uncertain significance (1 of 4 stars; one submission).

Conditions:
Hematuria, benign familial, 1 (BFH1). Also called: THIN MEMBRANE NEPHROPATHY. Identifiers: MedGen CN376803, MONDO:0007709, OMIM 141200.

Submission:

Department of Nephrology, Rheumatology and Immunology, Shanghai Children's Hospital
Classification: Uncertain significance for Hematuria, benign familial, 1. Last evaluated: 2016-07-29. Review status: criteria provided, single submitter. Criteria: ACMG Guidelines, 2015. Collection method: clinical testing. Allele origin: paternal. Affected: yes. Observed: 1 variant allele.
Comment: COL4A4 (NM_000092.5; c.3223G>A; p.Gly1075Ser; CDS34; Het): A missense variant lacking published pathogenic evidence and preliminarily identified as VUS. PolyPhen functional prediction showed a damaging effect, and its population allele frequency is extremely low. In consideration of disease prevalence, database allele frequencies and the proband’s clinical manifestations, the variant was determined to be VUS.

NM_000092.5(COL4A4):c.3223G>A (p.Gly1075Ser)

Gene: COL4A4 (collagen type IV alpha 4 chain; minus strand). Cytogenetic location: 2q36.3.
Variant type: single nucleotide variant.
Coding change: c.3223G>A on transcript NM_000092.5 (MANE Select); coding-DNA position 3223, G replaced by A.
Protein change: p.Gly1075Ser; replaces glycine 1075 with serine.
Molecular consequence: missense variant.
Genome position (GRCh38, 1-based): chr2:227,047,541, C>T on the plus strand (G>A on the coding strand, the complement: COL4A4 is on the minus strand). VCF-style: chr2-227047541-C-T. GRCh37 (hg19) VCF-style: chr2-227912257-C-T.
Other names: short protein forms G1075S.
Identifiers: ClinVar variation 4875525 (VCV004875525.1).